The following is an entry in ClinVar:

ClinVar aggregate classification (germline): Uncertain significance. Review status: criteria provided, multiple submitters, no conflicts (2 of 4 stars). 2 submissions from 2 submitters: Uncertain significance (2). Last evaluated 2024-05-06.

Conditions:
Inborn genetic diseases. Identifiers: MedGen C0950123, MeSH D030342.

Allele frequency attached by ClinVar (database versions not stated): gnomAD exomes 0.00001; TOPMed 0.00001; ExAC 0.00005.
gnomAD v4.1: 9 of 1,613,922 alleles (0.00056%); highest among the groups gnomAD compares: East Asian, 0.016%; no homozygotes.

Submissions (2):

GeneDx
Classification: Uncertain significance. Last evaluated: 2024-05-06. Review status: criteria provided, single submitter. Criteria: GeneDx Variant Classification Process June 2021. Collection method: clinical testing. Allele origin: germline. Affected: yes.
Comment: In silico analysis indicates that this missense variant does not alter protein structure/function; Has not been previously published as pathogenic or benign to our knowledge

Ambry Genetics
Classification: Uncertain significance for Inborn genetic diseases. Last evaluated: 2024-01-09. Review status: criteria provided, single submitter. Criteria: Ambry Variant Classification Scheme 2023. Collection method: clinical testing. Allele origin: germline.

NM_054027.6(ANKH):c.1474G>A (p.Glu492Lys)

Genes: ANKH (ANKH inorganic pyrophosphate transport regulator; minus strand), OTULIN (OTU deubiquitinase with linear linkage specificity; plus strand). Cytogenetic location: 5p15.2.
Variant type: single nucleotide variant.
Coding change: c.1474G>A on transcript NM_054027.6 (MANE Select); coding-DNA position 1474, G replaced by A.
Protein change: p.Glu492Lys; replaces glutamic acid 492 with lysine.
Molecular consequence: missense variant.
Genome position (GRCh38, 1-based): chr5:14,711,202, C>T on the plus strand (G>A on the coding strand, the complement: ANKH is on the minus strand). VCF-style: chr5-14711202-C-T. GRCh37 (hg19) VCF-style: chr5-14711311-C-T.
Other names: short protein forms E492K.
Identifiers: ClinVar variation 3120971 (VCV003120971.2), dbSNP rs754736964, ClinGen allele CA3208764.
Genomic context (GRCh38, chr5:14,711,202, plus strand): 5'-TGCCGAAGTGTCATCCTGACTGACTGTCCCTGCAGTGCCCATGGCGTCCCGTGCCTTATT[C>T]ATTCTCCTCTCTCATTTCCACGATGTCTGTCACCTCCTCTGTCGGAGGCATGTCTGTCAT-3'
Protein context (NP_473368.1, residues 482-492): TDIVEMREEN[Glu492Lys]